The following is an entry in ClinVar:

ClinVar aggregate classification (germline): Uncertain significance. Review status: criteria provided, multiple submitters, no conflicts (2 of 4 stars). 2 submissions from 2 submitters: Uncertain significance (2). Last evaluated 2022-10-06.

Conditions:
Pyruvate carboxylase deficiency. Also called: PC DEFICIENCY; ATAXIA WITH LACTIC ACIDOSIS II; Pyruvate Carboxylase Deficiency Disease; LEIGH NECROTIZING ENCEPHALOPATHY DUE TO PYRUVATE CARBOXYLASE DEFICIENCY; LEIGH SYNDROME DUE TO PYRUVATE CARBOXYLASE DEFICIENCY. Identifiers: Orphanet 3008, MedGen C0034341, MONDO:0009949, OMIM 266150.
Inborn genetic diseases. Identifiers: MedGen C0950123, MeSH D030342.

Allele frequency attached by ClinVar (database versions not stated): gnomAD exomes 0.00001; ExAC 0.00002; gnomAD 0.00003 and 0.00004; ESP Exome Variant Server 0.00008; TOPMed 0.00011.
gnomAD v4.1: 11 of 1,613,982 alleles (0.00068%); highest among the groups gnomAD compares: African/African-American, 0.011%; no homozygotes.

Submissions (2):

Ambry Genetics
Classification: Uncertain significance for Inborn genetic diseases. Last evaluated: 2022-10-06. Review status: criteria provided, single submitter. Criteria: Ambry Variant Classification Scheme 2023. Collection method: clinical testing. Allele origin: germline.

Labcorp Genetics (formerly Invitae), Labcorp
Classification: Uncertain significance for Pyruvate carboxylase deficiency. Last evaluated: 2022-08-07. Review status: criteria provided, single submitter. Criteria: Invitae Variant Classification Sherloc (09022015). Collection method: clinical testing. Allele origin: germline.
Comment: This sequence change replaces glycine, which is neutral and non-polar, with alanine, which is neutral and non-polar, at codon 1128 of the PC protein (p.Gly1128Ala). This variant is present in population databases (rs138990904, gnomAD 0.02%). This variant has not been reported in the literature in individuals affected with PC-related conditions. ClinVar contains an entry for this variant (Variation ID: 937754). Algorithms developed to predict the effect of missense changes on protein structure and function are either unavailable or do not agree on the potential impact of this missense change (SIFT: "Deleterious"; PolyPhen-2: "Probably Damaging"; Align-GVGD: "Class C0"). In summary, the available evidence is currently insufficient to determine the role of this variant in disease. Therefore, it has been classified as a Variant of Uncertain Significance.

NM_001040716.2(PC):c.3383G>C (p.Gly1128Ala)

Gene: PC (pyruvate carboxylase; minus strand). Cytogenetic location: 11q13.2.
Variant type: single nucleotide variant.
Coding change: c.3383G>C on transcript NM_001040716.2 (MANE Select); coding-DNA position 3383, G replaced by C.
Protein change: p.Gly1128Ala; replaces glycine 1128 with alanine.
Molecular consequence: missense variant.
Genome position (GRCh38, 1-based): chr11:66,849,053, C>G on the plus strand (G>C on the coding strand, the complement: PC is on the minus strand). VCF-style: chr11-66849053-C-G. GRCh37 (hg19) VCF-style: chr11-66616524-C-G.
Other names: c.3383G>C, p.Gly1128Ala (NM_000920.4, NM_022172.3); short protein forms G1128A.
Identifiers: ClinVar variation 937754 (VCV000937754.7), dbSNP rs138990904, ClinGen allele CA6130797.